The following is an entry in ClinVar:

ClinVar aggregate classification (germline): Likely benign. Review status: criteria provided, multiple submitters, no conflicts (2 of 4 stars). 4 submissions from 4 submitters: Likely benign (3). 1 of the submissions does not count toward it. Last evaluated 2025-12-01.

Conditions:
FAM20C-related disorder. Also called: FAM20C-related condition.

Allele frequency attached by ClinVar (database versions not stated): gnomAD 0.00008 and 0.00009; ExAC 0.00011; TOPMed 0.00011; gnomAD exomes 0.00012 and 0.00017.
gnomAD v4.1: 193 of 1,536,922 alleles (0.013%); highest among the groups gnomAD compares: Middle Eastern, 0.033%; no homozygotes.

Submissions (4):

Labcorp Genetics (formerly Invitae), Labcorp
Classification: Likely benign. Last evaluated: 2025-12-01. Review status: criteria provided, single submitter. Criteria: Invitae Variant Classification Sherloc (09022015). Collection method: clinical testing. Allele origin: germline.

Blueprint Genetics
Classification: Likely benign. Last evaluated: 2024-06-19. Review status: criteria provided, single submitter. Criteria: ACMG Guidelines, 2015. Collection method: clinical testing. Allele origin: germline.

Breakthrough Genomics
Classification: Likely benign. Review status: criteria provided, single submitter. Criteria: ACMG Guidelines, 2015. Collection method: not provided. Allele origin: germline. Inheritance: Autosomal recessive inheritance. Affected: yes.

PreventionGenetics, part of Exact Sciences
Classification: Likely benign for FAM20C-related condition. Last evaluated: 2019-12-11. Review status: no assertion criteria provided. Collection method: clinical testing. Allele origin: germline. Not counted in ClinVar's aggregate classification.
Comment: This variant is classified as likely benign based on ACMG/AMP sequence variant interpretation guidelines (Richards et al. 2015 PMID: 25741868, with internal and published modifications).

NM_020223.4(FAM20C):c.1364-5C>T

Gene: FAM20C (FAM20C golgi associated secretory pathway kinase; plus strand). Cytogenetic location: 7p22.3.
Variant type: single nucleotide variant.
Coding change: c.1364-5C>T on transcript NM_020223.4 (MANE Select); 5 bases into the intron before coding-DNA position 1364, C replaced by T.
Molecular consequence: intron variant.
Genome position (GRCh38, 1-based): chr7:257,000, C>T. VCF-style: chr7-257000-C-T. GRCh37 (hg19) VCF-style: chr7-296966-C-T.
Identifiers: ClinVar variation 739062 (VCV000739062.13), dbSNP rs376166238, ClinGen allele CA4109168.
Genomic context (GRCh38, chr7:257,000, plus strand): 5'-AGAGGCCTCTGAGCTACGTGGCCCGGCTCCCCACGAGCTGTGACACTTTCTGCCTCTCTC[C>T]GCAGGAAACATGGACCGTCACCACTACGAGACTTTTGAGAAGTTTGGGAATGAAACGTTC-3'